The following is an entry in ClinVar:

NM_003126.4(SPTA1):c.6627G>A (p.Met2209Ile)

Gene: SPTA1 (spectrin alpha, erythrocytic 1; minus strand). Cytogenetic location: 1q23.1.
Variant type: single nucleotide variant.
Coding change: c.6627G>A on transcript NM_003126.4 (MANE Select); coding-DNA position 6627, G replaced by A.
Protein change: p.Met2209Ile; replaces methionine 2209 with isoleucine.
Molecular consequence: missense variant.
Genome position (GRCh38, 1-based): chr1:158,615,377, C>T on the plus strand (G>A on the coding strand, the complement: SPTA1 is on the minus strand). VCF-style: chr1-158615377-C-T. GRCh37 (hg19) VCF-style: chr1-158585167-C-T.
Other names: c.6627G>A (NM_003126.2); short protein forms M2209I.
Identifiers: ClinVar variation 3598900 (VCV003598900.3).

ClinVar aggregate classification (germline): Uncertain significance. Review status: criteria provided, multiple submitters, no conflicts (2 of 4 stars). 3 submissions from 3 submitters: Uncertain significance (3). Last evaluated 2025-10-21.

Conditions:
Pyropoikilocytosis, hereditary. Also called: Pyropoikilocytosis. Identifiers: MedGen C0520739, MONDO:0009948, OMIM 266140, HP:0004839. Disease mechanism: loss of function.
Hereditary spherocytosis type 3. Also called: SPTA1-Related Spherocytosis; Spherocytosis type 3. Identifiers: Orphanet 822, MedGen C2678338, MONDO:0010053, OMIM 270970.
Elliptocytosis 2 (EL2). Also called: ELLIPTOCYTOSIS, RHESUS-UNLINKED TYPE. Identifiers: Orphanet 288, MedGen C1851741, MONDO:0007533, OMIM 130600.

gnomAD v4.1: 13 of 1,613,976 alleles (0.00081%); highest among the groups gnomAD compares: Non-Finnish European, 0.0011%; no homozygotes.

Submissions (3):

Labcorp Genetics (formerly Invitae), Labcorp
Classification: Uncertain significance. Last evaluated: 2025-10-21. Review status: criteria provided, single submitter. Criteria: Invitae Variant Classification Sherloc (09022015). Collection method: clinical testing. Allele origin: germline.
Comment: This sequence change replaces methionine, which is neutral and non-polar, with isoleucine, which is neutral and non-polar, at codon 2209 of the SPTA1 protein (p.Met2209Ile). This variant is present in population databases (no rsID available, gnomAD 0.002%). This variant has not been reported in the literature in individuals affected with SPTA1-related conditions. ClinVar contains an entry for this variant (Variation ID: 3598900). Invitae Evidence Modeling of protein sequence and biophysical properties (such as structural, functional, and spatial information, amino acid conservation, physicochemical variation, residue mobility, and thermodynamic stability) has been performed for this missense variant. However, the output from this modeling did not meet the statistical confidence thresholds required to predict the impact of this variant on SPTA1 protein function. In summary, the available evidence is currently insufficient to determine the role of this variant in disease. Therefore, it has been classified as a Variant of Uncertain Significance.

Ambry Genetics
Classification: Uncertain significance. Last evaluated: 2025-05-16. Review status: criteria provided, single submitter. Criteria: Ambry Variant Classification Scheme 2023. Collection method: clinical testing. Allele origin: germline.

Fulgent Genetics
Classification: Uncertain significance for Elliptocytosis 2; Pyropoikilocytosis, hereditary; Hereditary spherocytosis type 3. Last evaluated: 2024-02-14. Review status: criteria provided, single submitter. Criteria: ACMG Guidelines, 2015. Collection method: clinical testing. Allele origin: germline.